The following is an entry in ClinVar:

NM_000492.4(CFTR):c.2654G>A (p.Gly885Glu)

Gene: CFTR (CF transmembrane conductance regulator; plus strand). Cytogenetic location: 7q31.2.
Variant type: single nucleotide variant.
Coding change: c.2654G>A on transcript NM_000492.4 (MANE Select); coding-DNA position 2654, G replaced by A.
Protein change: p.Gly885Glu; replaces glycine 885 with glutamic acid.
Molecular consequence: missense variant.
Genome position (GRCh38, 1-based): chr7:117,602,860, G>A. VCF-style: chr7-117602860-G-A. GRCh37 (hg19) VCF-style: chr7-117242914-G-A.
Other names: short protein forms G885E.
Identifiers: ClinVar variation 3231866 (VCV003231866.1), dbSNP rs1792246488, ClinGen allele CA368986106.
Genomic context (GRCh38, chr7:117,602,860, plus strand): 5'-ATCAACTGTGTCTTGTTCCATTCCAGGTGGCTGCTTCTTTGGTTGTGCTGTGGCTCCTTG[G>A]AAAGTGAGTATTCCATGTCCTATTGTGTAGATTGTGTTTTATTTCTGTTGATTAAATATT-3'
Protein context (NP_000483.3, residues 875-895): AASLVVLWLL[Gly885Glu]NTPLQDKGNS

ClinVar aggregate classification (germline): Uncertain significance (1 of 4 stars; one submission).

Conditions:
Cystic fibrosis (CF). Also called: MUCOVISCIDOSIS. Identifiers: Orphanet 586, MedGen C0010674, MONDO:0009061, OMIM 219700. Disease mechanism: loss of function.

Allele frequency attached by ClinVar (database versions not stated): gnomAD exomes below 0.00001.
gnomAD v4.1: 1 of 1,612,884 alleles (0.000062%); highest among the groups gnomAD compares: Non-Finnish European, 0.000085%; no homozygotes.

Submission:

Ambry Genetics
Classification: Uncertain significance for Cystic fibrosis. Last evaluated: 2024-02-25. Review status: criteria provided, single submitter. Criteria: Ambry Variant Classification Scheme 2023. Collection method: clinical testing. Allele origin: germline.
Comment: The p.G885E variant (also known as c.2654G>A), located in coding exon 16 of the CFTR gene, results from a G to A substitution at nucleotide position 2654. The glycine at codon 885 is replaced by glutamic acid, an amino acid with similar properties. This amino acid position is conserved. In addition, this alteration is predicted to be tolerated by in silico analysis. Based on the available evidence, the clinical significance of this alteration remains unclear.